The following is an entry in ClinVar:

ClinVar aggregate classification (germline): Conflicting classifications of pathogenicity. Review status: criteria provided, conflicting classifications (1 of 4 stars). 2 submissions from 2 submitters: Uncertain significance (1); Likely benign (1). Last evaluated 2022-07-13.

Conditions:
Argininosuccinate lyase deficiency. Also called: ARGININOSUCCINIC ACID LYASE DEFICIENCY; ASL DEFICIENCY; Argininosuccinic aciduria. Identifiers: Orphanet 23, MedGen C0268547, MONDO:0008815, OMIM 207900, HP:0025630.

Allele frequency attached by ClinVar (database versions not stated): ExAC 0.00004; gnomAD 0.00004; TOPMed 0.00005; gnomAD exomes 0.00006 and 0.00012; ESP Exome Variant Server 0.00023.
gnomAD v4.1: 184 of 1,614,036 alleles (0.011%); highest among the groups gnomAD compares: Non-Finnish European, 0.015%; no homozygotes.

Submissions (2):

Labcorp Genetics (formerly Invitae), Labcorp
Classification: Uncertain significance for Argininosuccinate lyase deficiency. Last evaluated: 2022-07-13. Review status: criteria provided, single submitter. Criteria: Invitae Variant Classification Sherloc (09022015). Collection method: clinical testing. Allele origin: germline.
Comment: This sequence change falls in intron 10 of the ASL gene. It does not directly change the encoded amino acid sequence of the ASL protein. It affects a nucleotide within the consensus splice site. This variant is present in population databases (rs368266194, gnomAD 0.01%). This variant has not been reported in the literature in individuals affected with ASL-related conditions. ClinVar contains an entry for this variant (Variation ID: 390561). Variants that disrupt the consensus splice site are a relatively common cause of aberrant splicing (PMID: 17576681, 9536098). Algorithms developed to predict the effect of sequence changes on RNA splicing suggest that this variant is not likely to affect RNA splicing. In summary, the available evidence is currently insufficient to determine the role of this variant in disease. Therefore, it has been classified as a Variant of Uncertain Significance.

GeneDx
Classification: Likely benign. Last evaluated: 2018-04-05. Review status: criteria provided, single submitter. Criteria: GeneDx Variant Classification Process June 2021. Collection method: clinical testing. Allele origin: germline. Affected: yes.

Literature cited by the submitters: PubMed 17576681 (cited by Labcorp Genetics (formerly Invitae), Labcorp); PubMed 9536098 (cited by Labcorp Genetics (formerly Invitae), Labcorp).

NM_000048.4(ASL):c.718+3G>A

Gene: ASL (argininosuccinate lyase; plus strand). Cytogenetic location: 7q11.21.
Variant type: single nucleotide variant.
Coding change: c.718+3G>A on transcript NM_000048.4 (MANE Select); 3 bases into the intron after coding-DNA position 718, G replaced by A.
Molecular consequence: intron variant.
Genome position (GRCh38, 1-based): chr7:66,087,794, G>A. VCF-style: chr7-66087794-G-A. GRCh37 (hg19) VCF-style: chr7-65552781-G-A.
Other names: c.718+3G>A (NM_001024943.2, NM_001024944.2); c.640+3G>A (NM_001024946.2).
Identifiers: ClinVar variation 390561 (VCV000390561.5), dbSNP rs368266194, ClinGen allele CA4277105.